The following is an entry in ClinVar:

NM_007347.5(AP4E1):c.3347G>T (p.Arg1116Ile)

Gene: AP4E1 (adaptor related protein complex 4 subunit epsilon 1; plus strand). Cytogenetic location: 15q21.2.
Variant type: single nucleotide variant.
Coding change: c.3347G>T on transcript NM_007347.5 (MANE Select); coding-DNA position 3347, G replaced by T.
Protein change: p.Arg1116Ile; replaces arginine 1116 with isoleucine.
Molecular consequence: missense variant.
Genome position (GRCh38, 1-based): chr15:51,002,595, G>T. VCF-style: chr15-51002595-G-T. GRCh37 (hg19) VCF-style: chr15-51294792-G-T.
Other names: c.3122G>T, p.Arg1041Ile (NM_001252127.2); short protein forms R1041I, R1116I.
Identifiers: ClinVar variation 2094901 (VCV002094901.4), dbSNP rs2504943398, ClinGen allele CA392422743.
Genomic context (GRCh38, chr15:51,002,595, plus strand): 5'-CATCCATCCCCTGCTTACTGCATTGCCGAGTTCATGCAGATGTATTAGCCCTGTGGTTCA[G>T]ATCCTCCTGTTCTACTCTTCCTGACTATTTACTGTATCAGTGTCAAAAGGTGATGGAGGG-3'
Protein context (NP_031373.2, residues 1106-1126): VHADVLALWF[Arg1116Ile]SSCSTLPDYL

ClinVar aggregate classification (germline): Uncertain significance (1 of 4 stars; one submission).

Conditions:
Spastic paraplegia. Identifiers: MedGen C0037772, HP:0001258.

Submission:

Labcorp Genetics (formerly Invitae), Labcorp
Classification: Uncertain significance for Spastic paraplegia. Last evaluated: 2022-10-31. Review status: criteria provided, single submitter. Criteria: Invitae Variant Classification Sherloc (09022015). Collection method: clinical testing. Allele origin: germline.
Comment: In summary, the available evidence is currently insufficient to determine the role of this variant in disease. Therefore, it has been classified as a Variant of Uncertain Significance. Algorithms developed to predict the effect of missense changes on protein structure and function are either unavailable or do not agree on the potential impact of this missense change (SIFT: "Deleterious"; PolyPhen-2: "Probably Damaging"; Align-GVGD: "Class C0"). This variant has not been reported in the literature in individuals affected with AP4E1-related conditions. This variant is not present in population databases (gnomAD no frequency). This sequence change replaces arginine, which is basic and polar, with isoleucine, which is neutral and non-polar, at codon 1116 of the AP4E1 protein (p.Arg1116Ile).